The following is an entry in ClinVar:

ClinVar aggregate classification (germline): Uncertain significance. Review status: criteria provided, multiple submitters, no conflicts (2 of 4 stars). 2 submissions from 2 submitters: Uncertain significance (2). Last evaluated 2021-10-01.

Conditions:
Polycystic kidney disease 4 (PKD4). Also called: PKD3; POLYCYSTIC KIDNEY AND HEPATIC DISEASE 1; POLYCYSTIC KIDNEY DISEASE, INFANTILE, TYPE I; Autosomal Recessive Polycystic Kidney Disease – PKHD1; POLYCYSTIC KIDNEY DISEASE 4 WITH OR WITHOUT POLYCYSTIC LIVER DISEASE. Identifiers: MedGen C4540575, MONDO:0033004, OMIM 263200.

Submissions (2):

Fulgent Genetics
Classification: Uncertain significance for Polycystic kidney disease 4. Last evaluated: 2021-10-01. Review status: criteria provided, single submitter. Criteria: ACMG Guidelines, 2015. Collection method: clinical testing. Allele origin: unknown.

GeneDx
Classification: Uncertain significance. Last evaluated: 2021-01-08. Review status: criteria provided, single submitter. Criteria: GeneDx Variant Classification Process June 2021. Collection method: clinical testing. Allele origin: germline. Affected: yes.
Comment: Not observed in large population cohorts (Lek et al., 2016); In silico analysis supports that this missense variant does not alter protein structure/function; Has not been previously published as pathogenic or benign to our knowledge

NM_138694.4(PKHD1):c.9095C>A (p.Ala3032Asp)

Gene: PKHD1 (PKHD1 ciliary IPT domain containing fibrocystin/polyductin; minus strand). Cytogenetic location: 6p12.3.
Variant type: single nucleotide variant.
Coding change: c.9095C>A on transcript NM_138694.4 (MANE Select); coding-DNA position 9095, C replaced by A.
Protein change: p.Ala3032Asp; replaces alanine 3032 with aspartic acid.
Molecular consequence: missense variant.
Genome position (GRCh38, 1-based): chr6:51,748,521, G>T on the plus strand (C>A on the coding strand, the complement: PKHD1 is on the minus strand). VCF-style: chr6-51748521-G-T. GRCh37 (hg19) VCF-style: chr6-51613319-G-T.
Other names: c.9095C>A, p.Ala3032Asp (NM_170724.3); short protein forms A3032D.
Identifiers: ClinVar variation 1313861 (VCV001313861.3), dbSNP rs1444969670, ClinGen allele CA364423870.
Genomic context (GRCh38, chr6:51,748,521, plus strand): 5'-TCTATGCCATGGCCAGCTGTGCCAAACACAATATTGTCATTTAAAAGTACTCCATGACTG[G>T]CAGCTGCATGAATGCCCCCGCCACAGCTCTGGTGCAGAGTAGATGATATGATCCAGGATC-3'
Protein context (NP_619639.3, residues 3022-3042): QSCGGGIHAA[Ala3032Asp]SHGVLLNDNI